The following is an entry in ClinVar:

ClinVar aggregate classification (germline): Uncertain significance (1 of 4 stars; one submission).

Conditions:
ALMS1-related disorder. Also called: ALMS1-related condition.

Allele frequency attached by ClinVar (database versions not stated): TOPMed 0.00001.

Submission:

PreventionGenetics, part of Exact Sciences
Classification: Uncertain significance for ALMS1-related condition. Last evaluated: 2022-10-19. Review status: criteria provided, single submitter. Criteria: ACMG Guidelines, 2015. Collection method: clinical testing. Allele origin: germline.
Comment: The ALMS1 c.12190G>A variant is predicted to result in the amino acid substitution p.Glu4064Lys. To our knowledge, this variant has not been reported in the literature or in a large population database, indicating this variant is rare. At this time, the clinical significance of this variant is uncertain due to the absence of conclusive functional and genetic evidence.

NM_001378454.1(ALMS1):c.12187G>A (p.Val4063Ile)

Genes: ALMS1 (ALMS1 centrosome and basal body associated protein; plus strand), LOC126806252 (BRD4-independent group 4 enhancer GRCh37_chr2:73828496-73829695; plus strand). Cytogenetic location: 2p13.1.
Variant type: single nucleotide variant.
Coding change: c.12187G>A on transcript NM_001378454.1 (MANE Select); coding-DNA position 12187, G replaced by A.
Protein change: p.Val4063Ile; replaces valine 4063 with isoleucine.
Molecular consequence: missense variant.
Genome position (GRCh38, 1-based): chr2:73,602,257, G>A. VCF-style: chr2-73602257-G-A. GRCh37 (hg19) VCF-style: chr2-73829384-G-A.
Other names: c.12190G>A, p.Val4064Ile (NM_015120.4); short protein forms V4063I, V4064I.
Identifiers: ClinVar variation 2628727 (VCV002628727.1), dbSNP rs1675711670, ClinGen allele CA347268015.